The following is an entry in ClinVar:

ClinVar aggregate classification (germline): Conflicting classifications of pathogenicity. Review status: criteria provided, conflicting classifications (1 of 4 stars). 17 submissions from 17 submitters: Uncertain significance (1); Benign (2); Likely benign (11). 3 of the submissions do not count toward it. Last evaluated 2025-12-17.

Conditions:
Familial colorectal cancer type X. Identifiers: Orphanet 440437, MedGen C3896578, MONDO:0018604.
ATM-related disorder. Also called: ATM-related disorders; ATM-related condition.
Breast and/or ovarian cancer. Identifiers: MedGen CN221562.
Hereditary cancer-predisposing syndrome. Also called: Tumor predisposition; Neoplastic Syndromes, Hereditary; Hereditary Cancer Syndrome; Hereditary neoplastic syndrome. Identifiers: Orphanet 140162, MedGen C0027672, MeSH D009386, MONDO:0015356.
Familial cancer of breast. Also called: hereditary breast carcinoma; BREAST CANCER, FAMILIAL; Hereditary breast cancer. Identifiers: Orphanet 227535, MedGen C0346153, MONDO:0016419, OMIM 114480. Disease mechanism: loss of function.
Ataxia-telangiectasia syndrome (AT). Also called: LOUIS-BAR SYNDROME; Ataxia-telangiectasia, complementation group D; Ataxia telangiectasia (A-T); AT, COMPLEMENTATION GROUP C; ATAXIA-TELANGIECTASIA, COMPLEMENTATION GROUP A; ATAXIA-TELANGIECTASIA, FRESNO VARIANT. Identifiers: Orphanet 100, MedGen C0004135, MONDO:0008840, OMIM 208900.

Allele frequency attached by ClinVar (database versions not stated): gnomAD 0.00001 and 0.00002; gnomAD exomes 0.00001 and 0.00002; TOPMed 0.00003; ExAC 0.00007.
gnomAD v4.1: 21 of 1,587,992 alleles (0.0013%); highest among the groups gnomAD compares: Middle Eastern, 0.033%; no homozygotes.

Submissions (17):

Labcorp Genetics (formerly Invitae), Labcorp
Classification: Likely benign for Ataxia-telangiectasia syndrome. Last evaluated: 2025-12-17. Review status: criteria provided, single submitter. Criteria: Invitae Variant Classification Sherloc (09022015). Collection method: clinical testing. Allele origin: germline.

CeGaT Center for Human Genetics Tuebingen
Classification: Likely benign. Last evaluated: 2025-12-01. Review status: criteria provided, single submitter. Criteria: CeGaT Center For Human Genetics Tuebingen Variant Classification Criteria Version 2. Collection method: clinical testing. Allele origin: germline. Affected: yes. Observed: 1 variant allele.
Comment: ATM: BP4, BP7

Blueprint Genetics
Classification: Likely benign. Last evaluated: 2024-10-08. Review status: criteria provided, single submitter. Criteria: ACMG Guidelines, 2015. Collection method: clinical testing. Allele origin: germline.

Myriad Genetics, Inc.
Classification: Benign for Familial cancer of breast. Last evaluated: 2024-04-19. Review status: criteria provided, single submitter. Criteria: Myriad Autosomal Dominant, Autosomal Recessive and X-Linked Classification Criteria (2023). Collection method: clinical testing. Allele origin: unknown.
Comment: This variant is considered benign. This variant is a silent/synonymous amino acid change and it is not expected to impact splicing.

Mayo Clinic Laboratories, Mayo Clinic
Classification: Uncertain significance. Last evaluated: 2024-01-04. Review status: criteria provided, single submitter. Criteria: ACMG Guidelines, 2015. Collection method: clinical testing. Allele origin: germline. Observed: 2 variant alleles.

Women's Health and Genetics/Laboratory Corporation of America, LabCorp
Classification: Likely benign. Last evaluated: 2023-02-25. Review status: criteria provided, single submitter. Criteria: LabCorp Variant Classification Summary - May 2015. Collection method: clinical testing. Allele origin: germline.

Sema4
Classification: Likely benign for Hereditary cancer-predisposing syndrome. Last evaluated: 2021-10-12. Review status: criteria provided, single submitter. Criteria: Sema4 Curation Guidelines. Collection method: curation. Allele origin: germline.

CHEO Genetics Diagnostic Laboratory, Children's Hospital of Eastern Ontario
Classification: Likely benign for Breast and/or ovarian cancer. Last evaluated: 2020-05-21. Review status: criteria provided, single submitter. Criteria: ACMG Guidelines, 2015. Collection method: clinical testing. Allele origin: germline.

Department of Pathology and Laboratory Medicine, Sinai Health System
Classification: Likely benign for Familial colorectal cancer type X. Last evaluated: 2020-01-02. Review status: criteria provided, single submitter. Criteria: ACMG Guidelines, 2015. Collection method: clinical testing. Allele origin: germline. Affected: yes.

Genetic Services Laboratory, University of Chicago
Classification: Likely benign. Last evaluated: 2016-12-16. Review status: criteria provided, single submitter. Criteria: ACMG Guidelines, 2015. Collection method: clinical testing. Allele origin: germline. Affected: no.

Color Diagnostics, LLC DBA Color Health
Classification: Likely benign for Hereditary cancer-predisposing syndrome. Last evaluated: 2016-04-28. Review status: criteria provided, single submitter. Criteria: ACMG Guidelines, 2015. Collection method: clinical testing. Allele origin: germline.

GeneDx
Classification: Benign. Last evaluated: 2015-03-03. Review status: criteria provided, single submitter. Criteria: GeneDx Variant Classification Process June 2021. Collection method: clinical testing. Allele origin: germline. Affected: yes.

Ambry Genetics
Classification: Likely benign for Hereditary cancer-predisposing syndrome. Last evaluated: 2014-06-19. Review status: criteria provided, single submitter. Criteria: Ambry Variant Classification Scheme 2023. Collection method: clinical testing. Allele origin: germline.

Breakthrough Genomics
Classification: Likely benign. Review status: criteria provided, single submitter. Criteria: ACMG Guidelines, 2015. Collection method: not provided. Allele origin: germline. Inheritance: Autosomal recessive inheritance. Affected: yes.

PreventionGenetics, part of Exact Sciences
Classification: Likely benign for ATM-related condition. Last evaluated: 2024-02-28. Review status: no assertion criteria provided. Collection method: clinical testing. Allele origin: germline. Not counted in ClinVar's aggregate classification.
Comment: This variant is classified as likely benign based on ACMG/AMP sequence variant interpretation guidelines (Richards et al. 2015 PMID: 25741868, with internal and published modifications).

Clinical Genetics, Academic Medical Center
Classification: Likely benign. Review status: no assertion criteria provided. Collection method: clinical testing. Allele origin: germline. Affected: yes. Study: VKGL Data-share Consensus. Not counted in ClinVar's aggregate classification.

Joint Genome Diagnostic Labs from Nijmegen and Maastricht, Radboudumc and MUMC+
Classification: Likely benign. Review status: no assertion criteria provided. Collection method: clinical testing. Allele origin: germline. Affected: yes. Study: VKGL Data-share Consensus. Not counted in ClinVar's aggregate classification.

Literature cited by the submitters: PubMed 26898890 (cited by Mayo Clinic Laboratories, Mayo Clinic).

NM_000051.4(ATM):c.507T>C (p.Ser169=)

Gene: ATM (ATM serine/threonine kinase; plus strand). Cytogenetic location: 11q22.3.
Variant type: single nucleotide variant.
Coding change: c.507T>C on transcript NM_000051.4 (MANE Select); coding-DNA position 507, T replaced by C.
Protein change: p.Ser169=; no amino-acid change (serine 169 retained).
Molecular consequence: synonymous variant.
Genome position (GRCh38, 1-based): chr11:108,243,963, T>C. VCF-style: chr11-108243963-T-C. GRCh37 (hg19) VCF-style: chr11-108114690-T-C.
Other names: p.Ser169=; c.507T>C, p.Ser169= (NM_001351834.2).
Identifiers: ClinVar variation 184009 (VCV000184009.41), dbSNP rs758619186, ClinGen allele CA187471.